The following is an entry in ClinVar:

ClinVar aggregate classification (germline): Uncertain significance. Review status: criteria provided, multiple submitters, no conflicts (2 of 4 stars). 3 submissions from 3 submitters: Uncertain significance (3). Last evaluated 2024-08-12.

Conditions:
Hereditary cancer-predisposing syndrome. Also called: Hereditary Cancer Syndrome; Tumor predisposition; Neoplastic Syndromes, Hereditary; Hereditary neoplastic syndrome. Identifiers: Orphanet 140162, MedGen C0027672, MeSH D009386, MONDO:0015356.
Multiple endocrine neoplasia, type 1 (MEN1). Also called: WERMER SYNDROME; Endocrine adenomatosis multiple; MEN 1; MEN I; MEA I. Identifiers: Orphanet 652, MedGen C0025267, MeSH D018761, MONDO:0007540, OMIM 131100.

Submissions (3):

Ambry Genetics
Classification: Uncertain significance for Hereditary cancer-predisposing syndrome. Last evaluated: 2024-08-12. Review status: criteria provided, single submitter. Criteria: Ambry Variant Classification Scheme 2023. Collection method: clinical testing. Allele origin: germline.
Comment: The p.A5V variant (also known as c.14C>T), located in coding exon 1 of the MEN1 gene, results from a C to T substitution at nucleotide position 14. The alanine at codon 5 is replaced by valine, an amino acid with similar properties. This amino acid position is conserved. In addition, the in silico prediction for this alteration is inconclusive. Based on the available evidence, the clinical significance of this variant remains unclear.

Labcorp Genetics (formerly Invitae), Labcorp
Classification: Uncertain significance for Multiple endocrine neoplasia, type 1. Last evaluated: 2024-08-11. Review status: criteria provided, single submitter. Criteria: Invitae Variant Classification Sherloc (09022015). Collection method: clinical testing. Allele origin: germline.
Comment: This sequence change replaces alanine, which is neutral and non-polar, with valine, which is neutral and non-polar, at codon 5 of the MEN1 protein (p.Ala5Val). This variant is not present in population databases (gnomAD no frequency). This variant has not been reported in the literature in individuals affected with MEN1-related conditions. Advanced modeling of protein sequence and biophysical properties (such as structural, functional, and spatial information, amino acid conservation, physicochemical variation, residue mobility, and thermodynamic stability) performed at Invitae indicates that this missense variant is expected to disrupt MEN1 protein function with a positive predictive value of 95%. In summary, the available evidence is currently insufficient to determine the role of this variant in disease. Therefore, it has been classified as a Variant of Uncertain Significance.

Baylor Genetics
Classification: Uncertain significance for Multiple Endocrine Neoplasia Type 1. Last evaluated: 2024-03-13. Review status: criteria provided, single submitter. Criteria: ACMG Guidelines, 2015. Collection method: clinical testing. Allele origin: unknown.

NM_001370259.2(MEN1):c.14C>T (p.Ala5Val)

Gene: MEN1 (menin 1; minus strand). Cytogenetic location: 11q13.1.
Variant type: single nucleotide variant.
Coding change: c.14C>T on transcript NM_001370259.2 (MANE Select); coding-DNA position 14, C replaced by T.
Protein change: p.Ala5Val; replaces alanine 5 with valine.
Molecular consequence: missense variant. On other transcripts: non-coding transcript variant (4).
Genome position (GRCh38, 1-based): chr11:64,810,096, G>A on the plus strand (C>T on the coding strand, the complement: MEN1 is on the minus strand). VCF-style: chr11-64810096-G-A. GRCh37 (hg19) VCF-style: chr11-64577568-G-A.
Other names: c.14C>T, p.Ala5Val (NM_000244.4, NM_001370251.2, NM_001370260.2 and 20 more transcripts); short protein forms A5V.
Identifiers: ClinVar variation 3241908 (VCV003241908.4), dbSNP rs2136196896.